The following is an entry in ClinVar:

NM_006908.5(RAC1):c.536C>T (p.Pro179Leu)

Gene: RAC1 (Rac family small GTPase 1; plus strand). Cytogenetic location: 7p22.1.
Variant type: single nucleotide variant.
Coding change: c.536C>T on transcript NM_006908.5 (MANE Select); coding-DNA position 536, C replaced by T.
Protein change: p.Pro179Leu; replaces proline 179 with leucine.
Molecular consequence: missense variant.
Genome position (GRCh38, 1-based): chr7:6,402,403, C>T. VCF-style: chr7-6402403-C-T. GRCh37 (hg19) VCF-style: chr7-6442034-C-T.
Other names: c.593C>T, p.Pro198Leu (NM_018890.4); short protein forms P179L, P198L.
Identifiers: ClinVar variation 1683790 (VCV001683790.2), dbSNP rs1305062442, ClinGen allele CA366767017.

ClinVar aggregate classification (germline): Uncertain significance (1 of 4 stars; one submission).

Allele frequency attached by ClinVar (database versions not stated): TOPMed below 0.00001.

Submission:

GeneDx
Classification: Uncertain significance. Last evaluated: 2022-04-15. Review status: criteria provided, single submitter. Criteria: GeneDx Variant Classification Process June 2021. Collection method: clinical testing. Allele origin: germline. Affected: yes.
Comment: Not observed at significant frequency in large population cohorts (gnomAD); In silico analysis supports that this missense variant has a deleterious effect on protein structure/function; Has not been previously published as pathogenic or benign to our knowledge